The following is an entry in ClinVar:

ClinVar aggregate classification (germline): Uncertain significance (1 of 4 stars; one submission).

Submission:

GeneDx
Classification: Uncertain significance. Last evaluated: 2025-07-09. Review status: criteria provided, single submitter. Criteria: GeneDx Variant Classification Process June 2021. Collection method: clinical testing. Allele origin: germline. Affected: yes.
Comment: Not observed at significant frequency in large population cohorts (gnomAD); In silico analysis supports that this missense variant has a deleterious effect on protein structure/function; Has not been previously published as pathogenic or benign to our knowledge

NM_005120.3(MED12):c.4603C>G (p.Leu1535Val)

Gene: MED12 (mediator complex subunit 12; plus strand). Cytogenetic location: Xq13.1.
Variant type: single nucleotide variant.
Coding change: c.4603C>G on transcript NM_005120.3 (MANE Select); coding-DNA position 4603, C replaced by G.
Protein change: p.Leu1535Val; replaces leucine 1535 with valine.
Molecular consequence: missense variant.
Genome position (GRCh38, 1-based): chrX:71,133,198, C>G. VCF-style: chrX-71133198-C-G. GRCh37 (hg19) VCF-style: chrX-70353048-C-G.
Other names: short protein forms L1535V.
Identifiers: ClinVar variation 4685437 (VCV004685437.1).
Genomic context (GRCh38, chrX:71,133,198, plus strand): 5'-CGAGATGACCAGTACTTAGATGATTGCAAACCAAAGCAGCTTATGCATGAGGCACTCAAA[C>G]TGCGGCTCAACCTGGTGAGAAGGCCAGCTGGGGAGAAGAAGGAAGAGGGTAGGGCTGGAA-3'
Protein context (NP_005111.2, residues 1525-1545): PKQLMHEALK[Leu1535Val]RLNLVGGMFD